The following is an entry in ClinVar:

ClinVar aggregate classification (germline): Uncertain significance (1 of 4 stars; one submission).

gnomAD v4.1: 3 of 1,612,824 alleles (0.00019%); highest among the groups gnomAD compares: African/African-American, 0.0027%; no homozygotes.

Submission:

Labcorp Genetics (formerly Invitae), Labcorp
Classification: Uncertain significance. Last evaluated: 2022-08-23. Review status: criteria provided, single submitter. Criteria: Invitae Variant Classification Sherloc (09022015). Collection method: clinical testing. Allele origin: germline.
Comment: This sequence change replaces histidine, which is basic and polar, with glutamine, which is neutral and polar, at codon 4 of the STAMBP protein (p.His4Gln). This variant is present in population databases (no rsID available, gnomAD 0.01%). This variant has not been reported in the literature in individuals affected with STAMBP-related conditions. ClinVar contains an entry for this variant (Variation ID: 1509503). Algorithms developed to predict the effect of missense changes on protein structure and function are either unavailable or do not agree on the potential impact of this missense change (SIFT: "Tolerated"; PolyPhen-2: "Probably Damaging"; Align-GVGD: "Class C0"). Algorithms developed to predict the effect of sequence changes on RNA splicing suggest that this variant may create or strengthen a splice site. In summary, the available evidence is currently insufficient to determine the role of this variant in disease. Therefore, it has been classified as a Variant of Uncertain Significance.

NM_213622.4(STAMBP):c.12T>A (p.His4Gln)

Genes: STAMBP (STAM binding protein; plus strand), LOC126806253 (CDK7 strongly-dependent group 2 enhancer GRCh37_chr2:74057585-74058784; plus strand). Cytogenetic location: 2p13.1.
Variant type: single nucleotide variant.
Coding change: c.12T>A on transcript NM_213622.4 (MANE Select); coding-DNA position 12, T replaced by A.
Protein change: p.His4Gln; replaces histidine 4 with glutamine.
Molecular consequence: missense variant. On other transcripts: 5 prime UTR variant (5), non-coding transcript variant (4), intron variant (1).
Genome position (GRCh38, 1-based): chr2:73,830,868, T>A. VCF-style: chr2-73830868-T-A. GRCh37 (hg19) VCF-style: chr2-74057995-T-A.
Other names: c.12T>A, p.His4Gln (NM_001353967.2, NM_001353968.2, NM_001353969.2 and 3 more transcripts); c.-542T>A (NM_001353971.2, NM_001353973.2, NM_001353974.2 and 2 more transcripts); c.-203+1872T>A (NM_001353972.2); short protein forms H4Q.
Identifiers: ClinVar variation 1509503 (VCV001509503.6), dbSNP rs919629, ClinGen allele CA347303312.
Genomic context (GRCh38, chr2:73,830,868, plus strand): 5'-GCAACGGTATTGATGCCATCTGTTTTTTCTGTCTCAGAACTTGGTCCTGATGTCTGACCA[T>A]GGAGATGTGAGCCTCCCGCCCGAAGACCGGGTGAGGGCTCTCTCCCAGCTGGGTAGTGCG-3'
Protein context (NP_998787.1, residues 1-14): MSD[His4Gln]GDVSLPPEDR